The following is an entry in ClinVar:

NM_000051.4(ATM):c.3577-6G>A

Gene: ATM (ATM serine/threonine kinase; plus strand). Cytogenetic location: 11q22.3.
Variant type: single nucleotide variant.
Coding change: c.3577-6G>A on transcript NM_000051.4 (MANE Select); 6 bases into the intron before coding-DNA position 3577, G replaced by A.
Molecular consequence: intron variant.
Genome position (GRCh38, 1-based): chr11:108,282,704, G>A. VCF-style: chr11-108282704-G-A. GRCh37 (hg19) VCF-style: chr11-108153431-G-A.
Other names: c.3577-6G>A (NM_001351834.2).
Identifiers: ClinVar variation 236706 (VCV000236706.27), dbSNP rs56006345, ClinGen allele CA6265323.

ClinVar aggregate classification (germline): Likely benign. Review status: criteria provided, multiple submitters, no conflicts (2 of 4 stars). 10 submissions from 10 submitters: Likely benign (8). 2 of the submissions do not count toward it. Last evaluated 2026-07-21.

Conditions:
ATM-related disorder. Also called: ATM-related disorders; ATM-related condition.
Hereditary cancer-predisposing syndrome. Also called: Neoplastic Syndromes, Hereditary; Hereditary neoplastic syndrome; Hereditary Cancer Syndrome; Tumor predisposition. Identifiers: Orphanet 140162, MedGen C0027672, MeSH D009386, MONDO:0015356.
Ataxia-telangiectasia syndrome (AT). Also called: LOUIS-BAR SYNDROME; Ataxia-telangiectasia, complementation group D; AT, COMPLEMENTATION GROUP C; Ataxia telangiectasia (A-T); ATAXIA-TELANGIECTASIA, COMPLEMENTATION GROUP A; ATAXIA-TELANGIECTASIA, FRESNO VARIANT. Identifiers: Orphanet 100, MedGen C0004135, MONDO:0008840, OMIM 208900.
Familial cancer of breast. Also called: BREAST CANCER, FAMILIAL; Hereditary breast cancer; hereditary breast carcinoma. Identifiers: Orphanet 227535, MedGen C0346153, MONDO:0016419, OMIM 114480. Disease mechanism: loss of function.

Allele frequency attached by ClinVar (database versions not stated): ExAC 0.00002; gnomAD exomes 0.00002; TOPMed 0.00002; gnomAD 0.00003 and 0.00004.
gnomAD v4.1: 38 of 1,611,712 alleles (0.0024%); highest among the groups gnomAD compares: East Asian, 0.036%; no homozygotes.

Submissions (10):

PreventionGenetics, part of Exact Sciences
Classification: Likely benign for ATM-related condition. Last evaluated: 2026-07-21. Review status: criteria provided, single submitter. Criteria: ACMG Guidelines, 2015. Collection method: clinical testing. Allele origin: germline.
Comment: This variant is classified as likely benign based on ACMG/AMP sequence variant interpretation guidelines (Richards et al. 2015 PMID: 25741868, with internal and published modifications).

Labcorp Genetics (formerly Invitae), Labcorp
Classification: Likely benign for Ataxia-telangiectasia syndrome. Last evaluated: 2026-01-14. Review status: criteria provided, single submitter. Criteria: Invitae Variant Classification Sherloc (09022015). Collection method: clinical testing. Allele origin: germline.

Women's Health and Genetics/Laboratory Corporation of America, LabCorp
Classification: Likely benign. Last evaluated: 2025-04-16. Review status: criteria provided, single submitter. Criteria: LabCorp Variant Classification Summary - May 2015. Collection method: clinical testing. Allele origin: germline.
Comment: Variant summary: ATM c.3577-6G>A alters a nucleotide located at a position not widely known to affect splicing. Consensus agreement among computation tools predict no significant impact on normal splicing. However, these predictions have yet to be confirmed by functional studies. The variant allele was found at a frequency of 2.4e-05 in 250362 control chromosomes. The available data on variant occurrences in the general population are insufficient to allow any conclusion about variant significance. To our knowledge, no occurrence of c.3577-6G>A in individuals affected with Breast Cancer and no experimental evidence demonstrating its impact on protein function have been reported. ClinVar contains an entry for this variant (Variation ID: 236706). Based on the evidence outlined above, the variant was classified as likely benign.

Center for Genomic Medicine, Rigshospitalet, Copenhagen University Hospital
Classification: Likely benign. Last evaluated: 2025-03-04. Review status: criteria provided, single submitter. Criteria: ACMG Guidelines, 2015. Collection method: clinical testing. Allele origin: germline.

Blueprint Genetics
Classification: Likely benign. Last evaluated: 2024-06-27. Review status: criteria provided, single submitter. Criteria: ACMG Guidelines, 2015. Collection method: clinical testing. Allele origin: germline.

Myriad Genetics, Inc.
Classification: Likely benign for Familial cancer of breast. Last evaluated: 2024-05-15. Review status: criteria provided, single submitter. Criteria: Myriad Autosomal Dominant, Autosomal Recessive and X-Linked Classification Criteria (2023). Collection method: clinical testing. Allele origin: unknown.
Comment: This variant is considered likely benign. This variant is intronic and is not expected to impact mRNA splicing.

GeneDx
Classification: Likely benign. Last evaluated: 2019-09-19. Review status: criteria provided, single submitter. Criteria: GeneDx Variant Classification Process June 2021. Collection method: clinical testing. Allele origin: germline. Affected: yes.

Color Diagnostics, LLC DBA Color Health
Classification: Likely benign for Hereditary cancer-predisposing syndrome. Last evaluated: 2015-11-30. Review status: criteria provided, single submitter. Criteria: ACMG Guidelines, 2015. Collection method: clinical testing. Allele origin: germline.

Genetic Services Laboratory, University of Chicago
Classification: Likely benign. Last evaluated: 2022-06-23. Review status: no assertion criteria provided. Collection method: clinical testing. Allele origin: germline. Affected: no. Not counted in ClinVar's aggregate classification.

Counsyl
Classification: Likely benign for Ataxia-telangiectasia syndrome. Last evaluated: 2017-06-30. Review status: no assertion criteria provided. Collection method: clinical testing. Allele origin: unknown. Not counted in ClinVar's aggregate classification.